The following is an entry in ClinVar:

ClinVar aggregate classification (germline): Benign/Likely benign. Review status: criteria provided, multiple submitters, no conflicts (2 of 4 stars). 5 submissions from 5 submitters: Benign (2); Likely benign (3). Last evaluated 2026-09-01.

Conditions:
LMNB1-related disorder. Also called: LMNB1-Related Disorders; LMNB1-related condition.
Adult-onset autosomal dominant demyelinating leukodystrophy. Identifiers: Orphanet 99027, MedGen C1868512, MONDO:0008215.

Allele frequency attached by ClinVar (database versions not stated): gnomAD exomes 0.00075 and 0.00086; ExAC 0.00141; TOPMed 0.00048; gnomAD 0.00054 and 0.00058.
gnomAD v4.1: 1,092 of 1,474,578 alleles (0.074%); highest among the groups gnomAD compares: Middle Eastern, 0.12%; 1 homozygote.

Submissions (5):

CeGaT Center for Human Genetics Tuebingen
Classification: Likely benign. Last evaluated: 2026-09-01. Review status: criteria provided, single submitter. Criteria: CeGaT Center For Human Genetics Tuebingen Variant Classification Criteria Version 2. Collection method: clinical testing. Allele origin: germline. Affected: yes. Observed: 4 variant alleles.
Comment: LMNB1: BP4, BP7

Labcorp Genetics (formerly Invitae), Labcorp
Classification: Benign. Last evaluated: 2025-10-01. Review status: criteria provided, single submitter. Criteria: Invitae Variant Classification Sherloc (09022015). Collection method: clinical testing. Allele origin: germline.

PreventionGenetics, part of Exact Sciences
Classification: Likely benign for LMNB1-related condition. Last evaluated: 2025-01-27. Review status: criteria provided, single submitter. Criteria: ACMG Guidelines, 2015. Collection method: clinical testing. Allele origin: germline.
Comment: This variant is classified as likely benign based on ACMG/AMP sequence variant interpretation guidelines (Richards et al. 2015 PMID: 25741868, with internal and published modifications).

Blueprint Genetics
Classification: Likely benign. Last evaluated: 2024-11-15. Review status: criteria provided, single submitter. Criteria: ACMG Guidelines, 2015. Collection method: clinical testing. Allele origin: germline.

Illumina Laboratory Services, Illumina
Classification: Benign for Leukodystrophy, demyelinating, adult-onset, autosomal dominant, typical. Last evaluated: 2018-01-12. Review status: criteria provided, single submitter. Criteria: ICSL Variant Classification Criteria 13 December 2019. Collection method: clinical testing. Allele origin: germline.
Comment: This variant was observed in the ICSL laboratory as part of a predisposition screen in an ostensibly healthy population. It had not been previously curated by ICSL or reported in the Human Gene Mutation Database (HGMD: prior to June 1st, 2018), and was therefore a candidate for classification through an automated scoring system. Utilizing variant allele frequency, disease prevalence and penetrance estimates, and inheritance mode, an automated score was calculated to assess if this variant is too frequent to cause the disease. Based on the score and internal cut-off values, a variant classified as benign is not then subjected to further curation. The score for this variant resulted in a classification of benign for this disease.

NM_005573.4(LMNB1):c.60G>A (p.Thr20=)

Gene: LMNB1 (lamin B1; plus strand). Cytogenetic location: 5q23.2.
Variant type: single nucleotide variant.
Coding change: c.60G>A on transcript NM_005573.4 (MANE Select); coding-DNA position 60, G replaced by A.
Protein change: p.Thr20=; no amino-acid change (threonine 20 retained).
Molecular consequence: synonymous variant. On other transcripts: non-coding transcript variant (1), intron variant (1).
Genome position (GRCh38, 1-based): chr5:126,777,568, G>A. VCF-style: chr5-126777568-G-A. GRCh37 (hg19) VCF-style: chr5-126113260-G-A.
Other names: c.-272+324G>A (NM_001198557.2).
Identifiers: ClinVar variation 906294 (VCV000906294.20), dbSNP rs755396585, ClinGen allele CA3390411.